The following is an entry in ClinVar:

NM_000268.4(NF2):c.676-10G>A

Gene: NF2 (NF2, moesin-ezrin-radixin like (MERLIN) tumor suppressor; plus strand). Cytogenetic location: 22q12.2.
Variant type: single nucleotide variant.
Coding change: c.676-10G>A on transcript NM_000268.4 (MANE Select); 10 bases into the intron before coding-DNA position 676, G replaced by A.
Molecular consequence: intron variant.
Genome position (GRCh38, 1-based): chr22:29,661,195, G>A. VCF-style: chr22-29661195-G-A. GRCh37 (hg19) VCF-style: chr22-30057184-G-A.
Other names: c.676-10G>A (NM_016418.5, NM_181832.3, NM_181825.3); c.447+18910G>A (NM_181833.3); c.553-10G>A (NM_181829.3); c.550-10G>A (NM_181828.3); c.427-10G>A (NM_181830.3, NM_181831.3).
Identifiers: ClinVar variation 648789 (VCV000648789.8), dbSNP rs1601623842, ClinGen allele CA645601057.
Genomic context (GRCh38, chr22:29,661,195, plus strand): 5'-CTTTGGAAGGTTGAATAAAATTTTGAGCCTCAGCTGGCGCTTACAGTAGCTGTTCTTATT[G>A]GATCCACAGAATAAAAAGGGCACAGAGCTGCTGCTTGGAGTGGATGCCCTGGGGCTTCAC-3'

ClinVar aggregate classification (germline): Conflicting classifications of pathogenicity. Review status: criteria provided, conflicting classifications (1 of 4 stars). 2 submissions from 2 submitters: Likely pathogenic (1); Uncertain significance (1). Last evaluated 2022-12-06.

Conditions:
Neurofibromatosis, type 2 (SWNV). Also called: BILATERAL ACOUSTIC NEUROFIBROMATOSIS; SCHWANNOMATOSIS, VESTIBULAR; NF2-Related Schwannomatosis. Identifiers: Orphanet 637, MedGen C0027832, MONDO:0007039, OMIM 101000. Disease mechanism: loss of function.

Submissions (2):

Clinical Genetics Laboratory, Skane University Hospital Lund
Classification: Likely pathogenic. Last evaluated: 2022-12-06. Review status: criteria provided, single submitter. Criteria: ACMG Guidelines, 2015. Collection method: clinical testing. Allele origin: germline. Affected: yes.

Labcorp Genetics (formerly Invitae), Labcorp
Classification: Uncertain significance for Neurofibromatosis, type 2. Last evaluated: 2018-08-07. Review status: criteria provided, single submitter. Criteria: Invitae Variant Classification Sherloc (09022015). Collection method: clinical testing. Allele origin: germline.
Comment: This variant is not present in population databases (ExAC no frequency). This sequence change falls in intron 7 of the NF2 gene. It does not directly change the encoded amino acid sequence of the NF2 protein. This variant has not been reported in the literature in individuals with NF2-related disease. Algorithms developed to predict the effect of sequence changes on RNA splicing suggest that this variant may disrupt the consensus splice site, but this prediction has not been confirmed by published transcriptional studies. In summary, the available evidence is currently insufficient to determine the role of this variant in disease. Therefore, it has been classified as a Variant of Uncertain Significance.